The following is an entry in ClinVar:

ClinVar aggregate classification (germline): Likely benign. Review status: criteria provided, multiple submitters, no conflicts (2 of 4 stars). 2 submissions from 2 submitters: Likely benign (2). Last evaluated 2025-06-01.

Submissions (2):

CeGaT Center for Human Genetics Tuebingen
Classification: Likely benign. Last evaluated: 2025-06-01. Review status: criteria provided, single submitter. Criteria: CeGaT Center For Human Genetics Tuebingen Variant Classification Criteria Version 2. Collection method: clinical testing. Allele origin: germline. Affected: yes. Observed: 1 variant allele.
Comment: ACACA: BP4, BP7

Labcorp Genetics (formerly Invitae), Labcorp
Classification: Likely benign. Last evaluated: 2024-10-13. Review status: criteria provided, single submitter. Criteria: Invitae Variant Classification Sherloc (09022015). Collection method: clinical testing. Allele origin: germline.

NM_198834.3(ACACA):c.6744C>A (p.Ser2248=)

Genes: ACACA (acetyl-CoA carboxylase alpha; minus strand), LOC126862545 (BRD4-independent group 4 enhancer GRCh37_chr17:35453499-35454698; plus strand). Cytogenetic location: 17q12.
Variant type: single nucleotide variant.
Coding change: c.6744C>A on transcript NM_198834.3 (MANE Select); coding-DNA position 6744, C replaced by A.
Protein change: p.Ser2248=; no amino-acid change (serine 2248 retained).
Molecular consequence: synonymous variant.
Genome position (GRCh38, 1-based): chr17:37,097,143, G>T on the plus strand (C>A on the coding strand, the complement: ACACA is on the minus strand). VCF-style: chr17-37097143-G-T. GRCh37 (hg19) VCF-style: chr17-35454078-G-T.
Other names: c.6633C>A, p.Ser2211= (NM_198836.3, NM_198839.3); c.6459C>A, p.Ser2153= (NM_198837.2); c.6399C>A, p.Ser2133= (NM_198838.2).
Identifiers: ClinVar variation 3722870 (VCV003722870.10).
Genomic context (GRCh38, chr17:37,097,143, plus strand): 5'-TTTCTTCTTGACCAGGTCCTCCAGCAGAAGACGCCTCAGCCGCCAGTAGAAGAAGGTACG[G>T]GATGTTTTCCAATCCAGGATATCCTACATGCAGAGAAGAATAAACTTAGCCCAGTCCTAA-3'
Protein context (NP_942131.1, residues 2238-2258): VISDILDWKT[Ser2248=]RTFFYWRLRR